The following is an entry in ClinVar:

NM_004211.5(SLC6A5):c.266C>A (p.Ala89Glu)

Gene: SLC6A5 (solute carrier family 6 member 5; plus strand). Cytogenetic location: 11p15.1.
Variant type: single nucleotide variant.
Coding change: c.266C>A on transcript NM_004211.5 (MANE Select); coding-DNA position 266, C replaced by A.
Protein change: p.Ala89Glu; replaces alanine 89 with glutamic acid.
Molecular consequence: missense variant. On other transcripts: 5 prime UTR variant (1).
Genome position (GRCh38, 1-based): chr11:20,601,391, C>A. VCF-style: chr11-20601391-C-A. GRCh37 (hg19) VCF-style: chr11-20622937-C-A.
Other names: c.-298C>A (NM_001318369.2); short protein forms A89E.
Identifiers: ClinVar variation 304001 (VCV000304001.18), dbSNP rs61736602, ClinGen allele CA5921025.

ClinVar aggregate classification (germline): Benign/Likely benign. Review status: criteria provided, multiple submitters, no conflicts (2 of 4 stars). 5 submissions from 5 submitters: Benign (2); Likely benign (2). 1 of the submissions does not count toward it. Last evaluated 2026-02-03.

Conditions:
Hyperekplexia 3 (HKPX3). Also called: HYPEREKPLEXIA 3, AUTOSOMAL RECESSIVE; HYPEREKPLEXIA 3, AUTOSOMAL DOMINANT. Identifiers: Orphanet 3197, MedGen C3553288, MONDO:0013827, OMIM 614618.

Allele frequency attached by ClinVar (database versions not stated): 1000 Genomes Project 30x 0.01187; 1000 Genomes Project 0.01198; TOPMed 0.02016; gnomAD exomes 0.02085 and 0.02861; gnomAD 0.02155 and 0.02191; ESP Exome Variant Server 0.02354; ExAC 0.02765.
gnomAD v4.1: 44,577 of 1,603,806 alleles (2.8%); highest among the groups gnomAD compares: Non-Finnish European, 3.3%; 739 homozygotes.

Submissions (5):

Labcorp Genetics (formerly Invitae), Labcorp
Classification: Benign for Hyperekplexia 3. Last evaluated: 2026-02-03. Review status: criteria provided, single submitter. Criteria: Invitae Variant Classification Sherloc (09022015). Collection method: clinical testing. Allele origin: germline.

Laboratory for Molecular Medicine, Mass General Brigham Personalized Medicine
Classification: Likely benign. Last evaluated: 2016-03-29. Review status: criteria provided, single submitter. Criteria: LMM Criteria. Collection method: clinical testing. Allele origin: germline.
Comment: Variant identified in a genome or exome case(s) and assessed due to predicted null impact of the variant or pathogenic assertions in the literature or databases. Disclaimer: This variant has not undergone full assessment. The following are preliminary notes: Frequency in ESP (all): 303/12870=2.3%

Genome Diagnostics Laboratory, University Medical Center Utrecht
Classification: Benign for Hyperekplexia 3. Last evaluated: 2014-10-09. Review status: criteria provided, single submitter. Criteria: ACGS Guidelines, 2013. Collection method: clinical testing. Allele origin: germline. Affected: yes. Study: VKGL Data-share Consensus.

Breakthrough Genomics
Classification: Likely benign. Review status: criteria provided, single submitter. Criteria: ACMG Guidelines, 2015. Collection method: not provided. Allele origin: germline. Inheritance: Autosomal dominant inheritance. Affected: yes.

Diagnostic Laboratory, Department of Genetics, University Medical Center Groningen
Classification: Benign for Hyperekplexia 3. Review status: no assertion criteria provided. Collection method: clinical testing. Allele origin: germline. Affected: yes. Study: VKGL Data-share Consensus. Not counted in ClinVar's aggregate classification.